The following is an entry in ClinVar:

NM_015443.4(KANSL1):c.773T>C (p.Leu258Ser)

Gene: KANSL1 (KAT8 regulatory NSL complex subunit 1). Cytogenetic location: 17q21.31.
Variant type: single nucleotide variant.
Coding change: c.773T>C on transcript NM_015443.4 (MANE Select); coding-DNA position 773, T replaced by C.
Protein change: p.Leu258Ser; replaces leucine 258 with serine.
Molecular consequence: missense variant.
Genome position (GRCh38, 1-based): chr17:46,171,371, A>G on the plus strand (T>C on the coding strand, the complement: KANSL1 is on the minus strand). VCF-style: chr17-46171371-A-G. GRCh37 (hg19) VCF-style: chr17-44248737-A-G.
Other names: p.L258S:TTG>TCG; c.773T>C, p.Leu258Ser (NM_001193465.2, NM_001193466.2, NM_001379198.1); short protein forms L258S.
Identifiers: ClinVar variation 137974 (VCV000137974.17), dbSNP rs145714368, ClinGen allele CA291713.

ClinVar aggregate classification (germline): Benign/Likely benign. Review status: criteria provided, multiple submitters, no conflicts (2 of 4 stars). 6 submissions from 6 submitters: Benign (3); Likely benign (3). Last evaluated 2025-12-15.

Conditions:
Koolen-de Vries syndrome (KDVS). Identifiers: Orphanet 96169, MedGen C1864871, MONDO:0012496, OMIM 610443.

Allele frequency attached by ClinVar (database versions not stated): ESP Exome Variant Server 0.00015; gnomAD exomes 0.00095 and 0.00422; 1000 Genomes Project 0.00260; ExAC 0.00272; 1000 Genomes Project 30x 0.00297; gnomAD 0.00322 and 0.00328; TOPMed 0.00489.
gnomAD v4.1: 1,912 of 1,614,108 alleles (0.12%); highest among the groups gnomAD compares: Admixed American, 3%; 39 homozygotes.

Submissions (6):

Labcorp Genetics (formerly Invitae), Labcorp
Classification: Benign for Koolen-de Vries syndrome. Last evaluated: 2025-12-15. Review status: criteria provided, single submitter. Criteria: Invitae Variant Classification Sherloc (09022015). Collection method: clinical testing. Allele origin: germline.

Fulgent Genetics
Classification: Likely benign for Koolen-de Vries syndrome. Last evaluated: 2021-07-19. Review status: criteria provided, single submitter. Criteria: ACMG Guidelines, 2015. Collection method: clinical testing. Allele origin: unknown.

Athena Diagnostics
Classification: Benign. Last evaluated: 2018-10-18. Review status: criteria provided, single submitter. Criteria: Athena Diagnostics Criteria. Collection method: clinical testing. Allele origin: germline.

Center for Pediatric Genomic Medicine, Children's Mercy Hospital and Clinics
Classification: Likely benign. Last evaluated: 2015-10-28. Review status: criteria provided, single submitter. Criteria: ACMG Guidelines, 2015. Collection method: clinical testing. Allele origin: germline.
ClinVar note: Converted during submission from Likely Benign to Likely benign.

GeneDx
Classification: Benign. Last evaluated: 2013-12-09. Review status: criteria provided, single submitter. Criteria: GeneDx Variant Classification (06012015). Collection method: clinical testing. Allele origin: germline. Affected: yes.
Comment: This variant is considered likely benign or benign based on one or more of the following criteria: it is a conservative change, it occurs at a poorly conserved position in the protein, it is predicted to be benign by multiple in silico algorithms, and/or has population frequency not consistent with disease.

Breakthrough Genomics
Classification: Likely benign. Review status: criteria provided, single submitter. Criteria: ACMG Guidelines, 2015. Collection method: not provided. Allele origin: germline. Inheritance: Autosomal dominant inheritance. Affected: yes.